The following is an entry in ClinVar:

ClinVar aggregate classification (germline): Uncertain significance (1 of 4 stars; one submission).

Submission:

Labcorp Genetics (formerly Invitae), Labcorp
Classification: Uncertain significance. Last evaluated: 2022-08-06. Review status: criteria provided, single submitter. Criteria: Invitae Variant Classification Sherloc (09022015). Collection method: clinical testing. Allele origin: germline.
Comment: Advanced modeling of protein sequence and biophysical properties (such as structural, functional, and spatial information, amino acid conservation, physicochemical variation, residue mobility, and thermodynamic stability) performed at Invitae indicates that this missense variant is not expected to disrupt KCNV2 protein function. In summary, the available evidence is currently insufficient to determine the role of this variant in disease. Therefore, it has been classified as a Variant of Uncertain Significance. This variant has not been reported in the literature in individuals affected with KCNV2-related conditions. This variant is not present in population databases (gnomAD no frequency). This sequence change replaces glutamic acid, which is acidic and polar, with lysine, which is basic and polar, at codon 283 of the KCNV2 protein (p.Glu283Lys).

NM_133497.4(KCNV2):c.847G>A (p.Glu283Lys)

Gene: KCNV2 (potassium voltage-gated channel modifier subfamily V member 2; plus strand). Cytogenetic location: 9p24.2.
Variant type: single nucleotide variant.
Coding change: c.847G>A on transcript NM_133497.4 (MANE Select); coding-DNA position 847, G replaced by A.
Protein change: p.Glu283Lys; replaces glutamic acid 283 with lysine.
Molecular consequence: missense variant.
Genome position (GRCh38, 1-based): chr9:2,718,586, G>A. VCF-style: chr9-2718586-G-A. GRCh37 (hg19) VCF-style: chr9-2718586-G-A.
Other names: short protein forms E283K.
Identifiers: ClinVar variation 1715283 (VCV001715283.5), dbSNP rs745506598, ClinGen allele CA372799646.